The following is an entry in ClinVar:

NM_000143.4(FH):c.1205del (p.His402fs)

Gene: FH (fumarate hydratase; minus strand). Cytogenetic location: 1q43.
Variant type: Deletion.
Coding change: c.1205del on transcript NM_000143.4 (MANE Select); coding-DNA position 1205, one base deleted (A; older notation c.1205delA).
Protein change: p.His402fs; shifts the reading frame from histidine 402.
Molecular consequence: frameshift variant.
Genome position (GRCh38, 1-based): chr1:241,502,474, T deleted on the plus strand (A on the coding strand, the reverse complement: FH is on the minus strand). VCF-style (leftmost placement, unchanged base first): chr1-241502473-AT-A. GRCh37 (hg19) VCF-style: chr1-241665773-AT-A.
Other names: c.1205delA (NM_000143.3); short protein forms H402fs.
Identifiers: ClinVar variation 578880 (VCV000578880.7), dbSNP rs1558397011, ClinGen allele CA891843176.

ClinVar aggregate classification (germline): Pathogenic (1 of 4 stars; one submission).

Submission:

Labcorp Genetics (formerly Invitae), Labcorp
Classification: Pathogenic. Last evaluated: 2018-05-20. Review status: criteria provided, single submitter. Criteria: Invitae Variant Classification Sherloc (09022015). Collection method: clinical testing. Allele origin: germline.
Comment: For these reasons, this variant has been classified as Pathogenic. Loss-of-function variants in FH are known to be pathogenic (PMID: 11865300, 21398687). This variant has not been reported in the literature in individuals with FH-related disease. This variant is not present in population databases (ExAC no frequency). This sequence change creates a premature translational stop signal (p.His402Leufs*4) in the FH gene. It is expected to result in an absent or disrupted protein product.

Literature cited by the submitters: PubMed 11865300; PubMed 21398687.